The following is an entry in ClinVar:

ClinVar aggregate classification (germline): Uncertain significance. Review status: criteria provided, multiple submitters, no conflicts (2 of 4 stars). 2 submissions from 2 submitters: Uncertain significance (2). Last evaluated 2025-05-12.

Conditions:
Lucey-Driscoll syndrome (HBLRTFN). Also called: Transient familial neonatal hyperbilirubinemia. Identifiers: Orphanet 2312, MedGen C0270210, MONDO:0009383, OMIM 237900.
Crigler-Najjar syndrome type 1. Also called: HYPERBILIRUBINEMIA, CRIGLER-NAJJAR TYPE I. Identifiers: Orphanet 79234, MedGen C0010324, MONDO:0021020, OMIM 218800.
Crigler-Najjar syndrome, type II. Also called: HYPERBILIRUBINEMIA, CRIGLER-NAJJAR TYPE II; Crigler Najjar syndrome, type 2; Mutation in the UDP-glucuronosyl-transferase gene. Identifiers: Orphanet 205, Orphanet 79235, MedGen C2931132, MONDO:0011725, OMIM 606785.
Gilbert syndrome. Also called: HYPERBILIRUBINEMIA, GILBERT TYPE; Gilbert Disease; HYPERBILIRUBINEMIA I; HYPERBILIRUBINEMIA, ARIAS TYPE; Gilbert's syndrome. Identifiers: MedGen C0017551, MONDO:0007745, OMIM 143500.
BILIRUBIN, SERUM LEVEL OF, QUANTITATIVE TRAIT LOCUS 1 (BILIQTL1). Identifiers: MedGen C1866173, OMIM 601816.

gnomAD v4.1: 1 of 1,613,528 alleles (0.000062%); highest among the groups gnomAD compares: East Asian, 0.0022%; no homozygotes.

Submissions (2):

Labcorp Genetics (formerly Invitae), Labcorp
Classification: Uncertain significance. Last evaluated: 2025-05-12. Review status: criteria provided, single submitter. Criteria: Invitae Variant Classification Sherloc (09022015). Collection method: clinical testing. Allele origin: germline.
Comment: This sequence change replaces leucine, which is neutral and non-polar, with glutamine, which is neutral and polar, at codon 179 of the UGT1A1 protein (p.Leu179Gln). This variant is present in population databases (no rsID available, gnomAD 0.006%). This variant has not been reported in the literature in individuals affected with UGT1A1-related conditions. ClinVar contains an entry for this variant (Variation ID: 3382912). Invitae Evidence Modeling of protein sequence and biophysical properties (such as structural, functional, and spatial information, amino acid conservation, physicochemical variation, residue mobility, and thermodynamic stability) indicates that this missense variant is not expected to disrupt UGT1A1 protein function with a negative predictive value of 80%. In summary, the available evidence is currently insufficient to determine the role of this variant in disease. Therefore, it has been classified as a Variant of Uncertain Significance.

Juno Genomics, Hangzhou Juno Genomics, Inc
Classification: Uncertain significance for Crigler-Najjar syndrome type 1; Crigler-Najjar syndrome, type II; Lucey-Driscoll syndrome; BILIRUBIN, SERUM LEVEL OF, QUANTITATIVE TRAIT LOCUS 1; Gilbert syndrome. Review status: criteria provided, single submitter. Criteria: ACMG Guidelines, 2015. Collection method: clinical testing. Allele origin: germline. Affected: yes.
Comment: Absent from controls (or at extremely low frequency if recessive) in Genome Aggregation Database, Exome Sequencing Project, 1000 Genomes Project, or Exome Aggregation Consortium.

NM_000463.3(UGT1A1):c.536T>A (p.Leu179Gln)

Genes: UGT1A3 (UDP glucuronosyltransferase family 1 member A3; plus strand), UGT1A6 (UDP glucuronosyltransferase family 1 member A6; plus strand), UGT1A4 (UDP glucuronosyltransferase family 1 member A4; plus strand), UGT1A7 (UDP glucuronosyltransferase family 1 member A7; plus strand), UGT1A8 (UDP glucuronosyltransferase family 1 member A8; plus strand) and 5 more. Cytogenetic location: 2q37.1.
Variant type: single nucleotide variant.
Coding change: c.536T>A on transcript NM_000463.3 (MANE Select); coding-DNA position 536, T replaced by A.
Protein change: p.Leu179Gln; replaces leucine 179 with glutamine.
Molecular consequence: missense variant. On other transcripts: intron variant (9).
Genome position (GRCh38, 1-based): chr2:233,760,823, T>A. VCF-style: chr2-233760823-T-A. GRCh37 (hg19) VCF-style: chr2-234669469-T-A.
Other names: c.856-6211T>A (NM_019076.5, NM_019075.4, NM_021027.3 and 1 more transcripts); c.61-6211T>A (NM_205862.3); c.862-6211T>A (NM_001072.4); c.868-6211T>A (NM_019078.2, NM_007120.3, NM_019093.4); short protein forms L179Q.
Identifiers: ClinVar variation 3382912 (VCV003382912.3).
Genomic context (GRCh38, chr2:233,760,823, plus strand): 5'-TCGTGGCCCAGTACCTGTCTCTGCCCACTGTATTCTTCTTGCATGCACTGCCATGCAGCC[T>A]GGAATTTGAGGCTACCCAGTGCCCCAACCCATTCTCCTACGTGCCCAGGCCTCTCTCCTC-3'
Protein context (NP_000454.1, residues 169-189): VFFLHALPCS[Leu179Gln]EFEATQCPNP